The following is an entry in ClinVar:

NM_013275.6(ANKRD11):c.7713+2T>C

Gene: ANKRD11 (ankyrin repeat domain containing 11; minus strand). Cytogenetic location: 16q24.3.
Variant type: single nucleotide variant.
Coding change: c.7713+2T>C on transcript NM_013275.6 (MANE Select); the canonical splice donor site of the intron after coding-DNA position 7713, T replaced by C.
Molecular consequence: splice donor variant.
Genome position (GRCh38, 1-based): chr16:89,274,812, A>G on the plus strand (T>C on the coding strand, the complement: ANKRD11 is on the minus strand). VCF-style: chr16-89274812-A-G. GRCh37 (hg19) VCF-style: chr16-89341220-A-G.
Other names: c.7713+2T>C (NM_001256183.2, NM_001256182.2).
Identifiers: ClinVar variation 3030820 (VCV003030820.2), dbSNP rs2544178578, ClinGen allele CA397147437.
Genomic context (GRCh38, chr16:89,274,812, plus strand): 5'-AGGGGAGGCGGGCAGGGTGCAGGCACTTGGACTCATGGGCCTGGCATGCAGACGGGCCCT[A>G]CCTGGCTCTCCAGGGGCATGTTGTAGACCTCGGAGTCCAGCAGCATCGTGCAGGCGCTGA-3'

ClinVar aggregate classification (germline): Likely pathogenic (0 of 4 stars; one submission).

Conditions:
ANKRD11-related disorder. Also called: ANKRD11-related condition.

Submission:

PreventionGenetics, part of Exact Sciences
Classification: Likely pathogenic for ANKRD11-related condition. Last evaluated: 2024-07-18. Review status: no assertion criteria provided. Collection method: clinical testing. Allele origin: germline.
Comment: The ANKRD11 c.7713+2T>C variant is predicted to disrupt the GT donor site and interfere with normal splicing. To our knowledge, this variant has not been reported in the literature or in a large population database, indicating this variant is rare. Variants that disrupt the consensus splice donor site in ANKRD11 are expected to be pathogenic. This variant is interpreted as likely pathogenic.